The following is an entry in ClinVar:

ClinVar aggregate classification (germline): Uncertain significance (1 of 4 stars; one submission).

Conditions:
Cardiomyopathy (CMYO). Also called: Cardiomyopathies. Identifiers: Orphanet 167848, MedGen C0878544, MONDO:0004994, HP:0001638. Inheritance: Various modes of inheritance.

Submission:

Color Diagnostics, LLC DBA Color Health
Classification: Uncertain significance for Cardiomyopathy. Last evaluated: 2023-08-21. Review status: criteria provided, single submitter. Criteria: ACMG Guidelines, 2015. Collection method: clinical testing. Allele origin: germline.
Comment: This variant causes duplication of 1 nucleotide in intron 19 of the RYR2 gene. To our knowledge, functional studies have not been reported for this variant. This variant has not been reported in individuals affected with RYR2-related disorders in the literature. This variant has been identified in 1/248686 chromosomes in the general population by the Genome Aggregation Database (gnomAD). The available evidence is insufficient to determine the role of this variant in disease conclusively. Therefore, this variant is classified as a Variant of Uncertain Significance.

NM_001035.3(RYR2):c.1962-2dup

Gene: RYR2 (ryanodine receptor 2; plus strand). Cytogenetic location: 1q43.
Variant type: Duplication.
Coding change: c.1962-2dup on transcript NM_001035.3 (MANE Select); the canonical splice acceptor site of the intron before coding-DNA position 1962, one base duplicated (A; older notation c.1962-2dupA).
Molecular consequence: splice acceptor variant.
Genome position (GRCh38, 1-based): chr1:237,496,509, A duplicated; the last of 3 consecutive A bases (chr1:237,496,507-237,496,509); duplicating any one gives the same sequence. VCF-style (leftmost placement, unchanged base first): chr1-237496506-T-TA. GRCh37 (hg19) VCF-style: chr1-237659806-T-TA.
Identifiers: ClinVar variation 2774255 (VCV002774255.2), dbSNP rs779107932, ClinGen allele CA085935.